The following is an entry in ClinVar:

NM_004385.5(VCAN):c.2911C>T (p.His971Tyr)

Gene: VCAN (versican; plus strand). Cytogenetic location: 5q14.3.
Variant type: single nucleotide variant.
Coding change: c.2911C>T on transcript NM_004385.5 (MANE Select); coding-DNA position 2911, C replaced by T.
Protein change: p.His971Tyr; replaces histidine 971 with tyrosine.
Molecular consequence: missense variant. On other transcripts: intron variant (2).
Genome position (GRCh38, 1-based): chr5:83,521,217, C>T. VCF-style: chr5-83521217-C-T. GRCh37 (hg19) VCF-style: chr5-82817036-C-T.
Other names: c.1042+8821C>T (NM_001126336.3, NM_001164097.2); c.2911C>T, p.His971Tyr (NM_001164098.2); short protein forms H971Y.
Identifiers: ClinVar variation 3639904 (VCV003639904.2).
Genomic context (GRCh38, chr5:83,521,217, plus strand): 5'-GGATTAGCATTTGTTAGTTATAGTAGCACCCAAGAGCCTACTACTTATGTAGACTCTTCC[C>T]ATACCATTCCTCTTTCTGTAATTCCCAAGACAGACTGGGGAGTGTTAGTACCTTCTGTTC-3'
Protein context (NP_004376.2, residues 961-981): QEPTTYVDSS[His971Tyr]TIPLSVIPKT

ClinVar aggregate classification (germline): Uncertain significance (1 of 4 stars; one submission).

gnomAD v4.1: 2 of 1,613,948 alleles (0.00012%); highest among the groups gnomAD compares: Non-Finnish European, 0.000085%; no homozygotes.

Submission:

Labcorp Genetics (formerly Invitae), Labcorp
Classification: Uncertain significance. Last evaluated: 2024-02-09. Review status: criteria provided, single submitter. Criteria: Invitae Variant Classification Sherloc (09022015). Collection method: clinical testing. Allele origin: germline.
Comment: This sequence change replaces histidine, which is basic and polar, with tyrosine, which is neutral and polar, at codon 971 of the VCAN protein (p.His971Tyr). This variant is not present in population databases (gnomAD no frequency). This variant has not been reported in the literature in individuals affected with VCAN-related conditions. Algorithms developed to predict the effect of missense changes on protein structure and function output the following: SIFT: "Not Available"; PolyPhen-2: "Benign"; Align-GVGD: "Not Available". The tyrosine amino acid residue is found in multiple mammalian species, which suggests that this missense change does not adversely affect protein function. In summary, the available evidence is currently insufficient to determine the role of this variant in disease. Therefore, it has been classified as a Variant of Uncertain Significance.